The following is an entry in ClinVar:

ClinVar aggregate classification (germline): Likely pathogenic (1 of 4 stars; one submission).

Conditions:
C6-related disorder. Also called: C6-related condition.

gnomAD v4.1: 20 of 1,613,406 alleles (0.0012%); highest among the groups gnomAD compares: Non-Finnish European, 0.0015%; no homozygotes.

Submission:

PreventionGenetics, part of Exact Sciences
Classification: Likely pathogenic for C6-related condition. Last evaluated: 2025-01-02. Review status: criteria provided, single submitter. Criteria: ACMG Guidelines, 2015. Collection method: clinical testing. Allele origin: germline.
Comment: The C6 c.445+3A>C variant is predicted to interfere with splicing. This variant has been reported in the compound heterozygous state in two siblings affected with complete complement C6 deficiency (Parham et al. 2007. PubMed ID: 17257682). This variant is reported in 0.0023% of alleles in individuals of European (Non-Finnish) descent in gnomAD. This variant is interpreted as likely pathogenic.

NM_000065.5(C6):c.445+3A>C

Gene: C6 (complement C6; minus strand). Cytogenetic location: 5p13.1.
Variant type: single nucleotide variant.
Coding change: c.445+3A>C on transcript NM_000065.5 (MANE Select); 3 bases into the intron after coding-DNA position 445, A replaced by C.
Molecular consequence: intron variant.
Genome position (GRCh38, 1-based): chr5:41,199,765, T>G on the plus strand (A>C on the coding strand, the complement: C6 is on the minus strand). VCF-style: chr5-41199765-T-G. GRCh37 (hg19) VCF-style: chr5-41199867-T-G.
Other names: c.445+3A>C (NM_001115131.4).
Identifiers: ClinVar variation 4977909 (VCV004977909.1).